The following is an entry in ClinVar:

NM_001429.4(EP300):c.3772T>C (p.Cys1258Arg)

Gene: EP300 (E1A binding protein p300; plus strand). Cytogenetic location: 22q13.2.
Variant type: single nucleotide variant.
Coding change: c.3772T>C on transcript NM_001429.4 (MANE Select); coding-DNA position 3772, T replaced by C.
Protein change: p.Cys1258Arg; replaces cysteine 1258 with arginine.
Molecular consequence: missense variant.
Genome position (GRCh38, 1-based): chr22:41,164,096, T>C. VCF-style: chr22-41164096-T-C. GRCh37 (hg19) VCF-style: chr22-41560100-T-C.
Other names: c.3694T>C, p.Cys1232Arg (NM_001362843.2); short protein forms C1232R, C1258R.
Identifiers: ClinVar variation 1677081 (VCV001677081.1), dbSNP rs2145756430, ClinGen allele CA411697937.

ClinVar aggregate classification (germline): Uncertain significance (1 of 4 stars; one submission).

Submission:

Women's Health and Genetics/Laboratory Corporation of America, LabCorp
Classification: Uncertain significance. Last evaluated: 2022-03-10. Review status: criteria provided, single submitter. Criteria: LabCorp Variant Classification Summary - May 2015. Collection method: clinical testing. Allele origin: germline.
Comment: Variant summary: EP300 c.3772T>C (p.Cys1258Arg) results in a non-conservative amino acid change in the encoded protein sequence. Five of five in-silico tools predict a damaging effect of the variant on protein function. The variant was absent in 251472 control chromosomes. The available data on variant occurrences in the general population are insufficient to allow any conclusion about variant significance. To our knowledge, no occurrence of c.3772T>C in individuals affected with Rubinstein-Taybi Syndrome 2 and no experimental evidence demonstrating its impact on protein function have been reported. No clinical diagnostic laboratories have submitted clinical-significance assessments for this variant to ClinVar after 2014. Based on the evidence outlined above, the variant was classified as uncertain significance.